The following is an entry in ClinVar:

NM_000211.5(ITGB2):c.148-16G>T

Gene: ITGB2 (integrin subunit beta 2; minus strand). Cytogenetic location: 21q22.3.
Variant type: single nucleotide variant.
Coding change: c.148-16G>T on transcript NM_000211.5 (MANE Select); 16 bases into the intron before coding-DNA position 148, G replaced by T.
Molecular consequence: intron variant.
Genome position (GRCh38, 1-based): chr21:44,907,111, C>A on the plus strand (G>T on the coding strand, the complement: ITGB2 is on the minus strand). VCF-style: chr21-44907111-C-A. GRCh37 (hg19) VCF-style: chr21-46327026-C-A.
Other names: c.148-16G>T (NM_001127491.3, LRG_76t1); c.-60-16G>T (NM_001303238.2).
Identifiers: ClinVar variation 377981 (VCV000377981.13), dbSNP rs2072703, ClinGen allele CA10063315.

ClinVar aggregate classification (germline): Benign. Review status: criteria provided, multiple submitters, no conflicts (2 of 4 stars). 5 submissions from 5 submitters: Benign (5). Last evaluated 2026-02-03.

Conditions:
Leukocyte adhesion deficiency 1 (LAD1). Also called: LAD 1; Lymphocyte function-associated antigen 1 immunodeficiency; LFA 1 immunodeficiency; LEUKOCYTE ADHESION DEFICIENCY, TYPE I. Identifiers: Orphanet 2968, Orphanet 99842, MedGen C0398738, MONDO:0007293, OMIM 116920.

Allele frequency attached by ClinVar (database versions not stated): gnomAD 0.06628 and 0.07031; TOPMed 0.06710; ESP Exome Variant Server 0.06867; gnomAD exomes 0.06873; ExAC 0.07461; 1000 Genomes Project 0.10883.
gnomAD v4.1: 96,070 of 1,578,004 alleles (6.1%); highest among the groups gnomAD compares: South Asian, 20%; 4,339 homozygotes.

Submissions (5):

Labcorp Genetics (formerly Invitae), Labcorp
Classification: Benign for Leukocyte adhesion deficiency 1. Last evaluated: 2026-02-03. Review status: criteria provided, single submitter. Criteria: Invitae Variant Classification Sherloc (09022015). Collection method: clinical testing. Allele origin: germline.

Women's Health and Genetics/Laboratory Corporation of America, LabCorp
Classification: Benign. Last evaluated: 2026-01-21. Review status: criteria provided, single submitter. Criteria: LabCorp Variant Classification Summary - May 2015. Collection method: clinical testing. Allele origin: germline.

Blueprint Genetics
Classification: Benign. Last evaluated: 2024-11-28. Review status: criteria provided, single submitter. Criteria: ACMG Guidelines, 2015. Collection method: clinical testing. Allele origin: germline.

GeneDx
Classification: Benign. Last evaluated: 2016-10-28. Review status: criteria provided, single submitter. Criteria: GeneDx Variant Classification (06012015). Collection method: clinical testing. Allele origin: germline. Affected: yes.
Comment: This variant is considered likely benign or benign based on one or more of the following criteria: it is a conservative change, it occurs at a poorly conserved position in the protein, it is predicted to be benign by multiple in silico algorithms, and/or has population frequency not consistent with disease.

Breakthrough Genomics
Classification: Benign. Review status: criteria provided, single submitter. Criteria: ACMG Guidelines, 2015. Collection method: not provided. Allele origin: germline. Inheritance: Autosomal recessive inheritance. Affected: yes.